The following is an entry in ClinVar:

NM_005219.5(DIAPH1):c.2456T>C (p.Phe819Ser)

Gene: DIAPH1 (diaphanous related formin 1; minus strand). Cytogenetic location: 5q31.3.
Variant type: single nucleotide variant.
Coding change: c.2456T>C on transcript NM_005219.5 (MANE Select); coding-DNA position 2456, T replaced by C.
Protein change: p.Phe819Ser; replaces phenylalanine 819 with serine.
Molecular consequence: missense variant.
Genome position (GRCh38, 1-based): chr5:141,571,943, A>G on the plus strand (T>C on the coding strand, the complement: DIAPH1 is on the minus strand). VCF-style: chr5-141571943-A-G. GRCh37 (hg19) VCF-style: chr5-140951510-A-G.
Other names: c.2429T>C, p.Phe810Ser (NM_001079812.3); c.2456T>C, p.Phe819Ser (NM_001314007.2); short protein forms F810S, F819S.
Identifiers: ClinVar variation 2950264 (VCV002950264.3), dbSNP rs2513733895, ClinGen allele CA361512825.

ClinVar aggregate classification (germline): Uncertain significance (1 of 4 stars; one submission).

Conditions:
Autosomal dominant nonsyndromic hearing loss 1. Also called: KONIGSMARK SYNDROME; DEAFNESS, AUTOSOMAL DOMINANT 1, WITH OR WITHOUT THROMBOCYTOPENIA. Identifiers: Orphanet 90635, MedGen C1852282, MONDO:0007424, OMIM 124900.
Progressive microcephaly-seizures-cortical blindness-developmental delay syndrome. Also called: Seizures, cortical blindness, and microcephaly syndrome. Identifiers: Orphanet 477814, MedGen C5567650, MONDO:0014714, OMIM 616632.

Submission:

Labcorp Genetics (formerly Invitae), Labcorp
Classification: Uncertain significance for Progressive microcephaly-seizures-cortical blindness-developmental delay syndrome; Autosomal dominant nonsyndromic hearing loss 1. Last evaluated: 2023-07-25. Review status: criteria provided, single submitter. Criteria: Invitae Variant Classification Sherloc (09022015). Collection method: clinical testing. Allele origin: germline.
Comment: In summary, the available evidence is currently insufficient to determine the role of this variant in disease. Therefore, it has been classified as a Variant of Uncertain Significance. This sequence change replaces phenylalanine, which is neutral and non-polar, with serine, which is neutral and polar, at codon 819 of the DIAPH1 protein (p.Phe819Ser). This variant is not present in population databases (gnomAD no frequency). This variant has not been reported in the literature in individuals affected with DIAPH1-related conditions. An algorithm developed to predict the effect of missense changes on protein structure and function (PolyPhen-2) suggests that this variant is likely to be disruptive.